The following is an entry in ClinVar:

ClinVar aggregate classification (germline): Uncertain significance (1 of 4 stars; one submission).

Submission:

Labcorp Genetics (formerly Invitae), Labcorp
Classification: Uncertain significance. Last evaluated: 2025-02-26. Review status: criteria provided, single submitter. Criteria: Invitae Variant Classification Sherloc (09022015). Collection method: clinical testing. Allele origin: germline.
Comment: This sequence change replaces glycine, which is neutral and non-polar, with serine, which is neutral and polar, at codon 339 of the GRIN2D protein (p.Gly339Ser). This variant is not present in population databases (gnomAD no frequency). This variant has not been reported in the literature in individuals affected with GRIN2D-related conditions. An algorithm developed to predict the effect of missense changes on protein structure and function (PolyPhen-2) suggests that this variant is likely to be disruptive. In summary, the available evidence is currently insufficient to determine the role of this variant in disease. Therefore, it has been classified as a Variant of Uncertain Significance.

NM_000836.4(GRIN2D):c.1015G>A (p.Gly339Ser)

Gene: GRIN2D (glutamate ionotropic receptor NMDA type subunit 2D; plus strand). Cytogenetic location: 19q13.33.
Variant type: single nucleotide variant.
Coding change: c.1015G>A on transcript NM_000836.4 (MANE Select); coding-DNA position 1015, G replaced by A.
Protein change: p.Gly339Ser; replaces glycine 339 with serine.
Molecular consequence: missense variant.
Genome position (GRCh38, 1-based): chr19:48,405,283, G>A. VCF-style: chr19-48405283-G-A. GRCh37 (hg19) VCF-style: chr19-48908540-G-A.
Other names: short protein forms G339S.
Identifiers: ClinVar variation 4713913 (VCV004713913.1).